The following is an entry in ClinVar:

ClinVar aggregate classification (germline): Uncertain significance. Review status: criteria provided, multiple submitters, no conflicts (2 of 4 stars). 3 submissions from 3 submitters: Uncertain significance (3). Last evaluated 2021-11-12.

Conditions:
Joubert syndrome. Also called: Familial aplasia of the vermis; CEREBELLOPARENCHYMAL DISORDER IV; JOUBERT-BOLTSHAUSER SYNDROME. Identifiers: Orphanet 475, MedGen C5979921, MONDO:0018772.
Meckel-Gruber syndrome. Also called: Dysencephalia splachnocystica; DYSENCEPHALIA SPLANCHNOCYSTICA; GRUBER SYNDROME. Identifiers: Orphanet 564, MedGen C0265215, MONDO:0018921.
Joubert syndrome 6 (JBTS6). Identifiers: Orphanet 475, MedGen C1853153, MONDO:0012539, OMIM 610688.
Meckel syndrome, type 3 (MKS3). Also called: MECKEL-GRUBER SYNDROME, TYPE 3. Identifiers: Orphanet 564, MedGen C1846357, MONDO:0011821, OMIM 607361.
Nephronophthisis 11 (NPHP11). Identifiers: Orphanet 84081, MedGen C3150796, MONDO:0013302, OMIM 613550.
COACH syndrome 1. Identifiers: Orphanet 1454, MedGen C5435651, MONDO:0800103, OMIM 216360, MONDO:0008996.
Bardet-Biedl syndrome 14 (BBS14). Identifiers: Orphanet 110, MedGen C2673874, MONDO:0014442, OMIM 615991.
RHYNS syndrome. Also called: RETINITIS PIGMENTOSA SYNDROME; RETINITIS PIGMENTOSA, HYPOPITUITARISM, NEPHRONOPHTHISIS, AND MILD SKELETAL DYSPLASIA. Identifiers: Orphanet 140976, MedGen C1865794, MONDO:0011202, OMIM 602152.

Allele frequency attached by ClinVar (database versions not stated): gnomAD exomes below 0.00001 and 0.00001; ExAC 0.00001.
gnomAD v4.1: 3 of 1,612,774 alleles (0.00019%); highest among the groups gnomAD compares: Admixed American, 0.0017%; no homozygotes.

Submissions (3):

Fulgent Genetics
Classification: Uncertain significance for COACH syndrome 1; RHYNS syndrome; Meckel syndrome, type 3; Joubert syndrome 6; Nephronophthisis 11; Bardet-Biedl syndrome 14. Last evaluated: 2021-11-12. Review status: criteria provided, single submitter. Criteria: ACMG Guidelines, 2015. Collection method: clinical testing. Allele origin: unknown.

Labcorp Genetics (formerly Invitae), Labcorp
Classification: Uncertain significance for Joubert syndrome; Meckel-Gruber syndrome. Last evaluated: 2021-08-25. Review status: criteria provided, single submitter. Criteria: Invitae Variant Classification Sherloc (09022015). Collection method: clinical testing. Allele origin: germline.
Comment: In summary, the available evidence is currently insufficient to determine the role of this variant in disease. Therefore, it has been classified as a Variant of Uncertain Significance. Advanced modeling of protein sequence and biophysical properties (such as structural, functional, and spatial information, amino acid conservation, physicochemical variation, residue mobility, and thermodynamic stability) performed at Invitae indicates that this missense variant is not expected to disrupt TMEM67 protein function. ClinVar contains an entry for this variant (Variation ID: 1032510). This variant has not been reported in the literature in individuals affected with TMEM67-related conditions. This variant is present in population databases (rs767886819, ExAC 0.009%). This sequence change replaces alanine with proline at codon 227 of the TMEM67 protein (p.Ala227Pro). The alanine residue is weakly conserved and there is a small physicochemical difference between alanine and proline.

Baylor Genetics
Classification: Uncertain significance for COACH syndrome 1. Last evaluated: 2018-08-22. Review status: criteria provided, single submitter. Criteria: ACMG Guidelines, 2015. Collection method: clinical testing. Allele origin: maternal. Affected: yes.
Comment: This variant was determined to be of uncertain significance according to ACMG Guidelines, 2015 [PMID:25741868].

NM_153704.6(TMEM67):c.679G>C (p.Ala227Pro)

Gene: TMEM67 (transmembrane protein 67; plus strand). Cytogenetic location: 8q22.1.
Variant type: single nucleotide variant.
Coding change: c.679G>C on transcript NM_153704.6 (MANE Select); coding-DNA position 679, G replaced by C.
Protein change: p.Ala227Pro; replaces alanine 227 with proline.
Molecular consequence: missense variant. On other transcripts: non-coding transcript variant (1).
Genome position (GRCh38, 1-based): chr8:93,772,616, G>C. VCF-style: chr8-93772616-G-C. GRCh37 (hg19) VCF-style: chr8-94784844-G-C.
Other names: c.436G>C, p.Ala146Pro (NM_001142301.1); short protein forms A227P, A146P.
Identifiers: ClinVar variation 1032510 (VCV001032510.8), dbSNP rs767886819, ClinGen allele CA4807745.
Genomic context (GRCh38, chr8:93,772,616, plus strand): 5'-ACTTAAAAATAAAATGTATCTTTTTGTTTACAGGGCATGTCTTTAACTTCAGAATGGTTT[G>C]CAAAGTATTTGCAATCATCAGCAGCTGCATGTTGGGTAAGTTTGAATTTTTTAAATAAAT-3'
Protein context (NP_714915.3, residues 217-237): VGMSLTSEWF[Ala227Pro]KYLQSSAAAC